The following is an entry in ClinVar:

NM_000044.6(AR):c.1344_1345insTA (p.Pro449fs)

Gene: AR (androgen receptor; plus strand). Cytogenetic location: Xq12.
Variant type: Insertion.
Coding change: c.1344_1345insTA on transcript NM_000044.6 (MANE Select); coding-DNA positions 1344 to 1345, TA inserted.
Protein change: p.Pro449fs; shifts the reading frame from proline 449.
Molecular consequence: frameshift variant. On other transcripts: 5 prime UTR variant (1).
Genome position: GRCh38 VCF-style: chrX-67546489-G-GAT. GRCh37 (hg19) VCF-style: chrX-66766331-G-GAT.
Other names: c.-440_-439insTA (NM_001011645.3); c.1344_1345insTA, p.Pro449fs (NM_001348061.1, NM_001348063.1, NM_001348064.1); short protein forms P449fs.
Identifiers: ClinVar variation 3336688 (VCV003336688.1).

ClinVar aggregate classification (germline): Pathogenic (1 of 4 stars; one submission).

Conditions:
Androgen resistance syndrome (AIS). Also called: ANDROGEN RECEPTOR DEFICIENCY; DIHYDROTESTOSTERONE RECEPTOR DEFICIENCY; TESTICULAR FEMINIZATION SYNDROME; Androgen insensitivity syndrome; Androgen insensitivity, complete; Androgen insensitivity syndrome due to coactivator deficiency. Identifiers: Orphanet 754, Orphanet 99429, MedGen C0039585, MONDO:0019154, OMIM 300068. Disease mechanism: loss of function.

Submission:

Genetics Department, Polish Mother's Memorial Hospital Research Institute
Classification: Pathogenic for Androgen resistance syndrome. Last evaluated: 2024-07-04. Review status: criteria provided, single submitter. Criteria: ACMG Guidelines, 2015. Collection method: research. Allele origin: germline. Affected: yes.
Comment: The detected NM_000044.6:c.1344_1345insTA p.(Pro449Tyrfs*31) variant causes a frameshift change involving the alteration of a non-conserved nucleotide. The variant results in nonsense-mediated mRNA decay. The variant was absent in control chromosomes in populational databases. The variant was not submitted to ClinVar or the other variant databases. The variant was classified as pathogenic with 11 ACMG points (criteria: PVS1, PM2, PP4).